The following is an entry in ClinVar:

NM_007254.4(PNKP):c.-3A>G

Gene: PNKP (polynucleotide kinase 3'-phosphatase; minus strand). Cytogenetic location: 19q13.33.
Variant type: single nucleotide variant.
Coding change: c.-3A>G on transcript NM_007254.4 (MANE Select); 3 bases upstream of the start codon, A replaced by G.
Molecular consequence: 5 prime UTR variant.
Genome position (GRCh38, 1-based): chr19:49,867,207, T>C on the plus strand (A>G on the coding strand, the complement: PNKP is on the minus strand). VCF-style: chr19-49867207-T-C. GRCh37 (hg19) VCF-style: chr19-50370464-T-C.
Identifiers: ClinVar variation 206380 (VCV000206380.1), dbSNP rs796052848, ClinGen allele CA316441.

ClinVar aggregate classification (germline): Likely benign (1 of 4 stars; one submission).

Allele frequency attached by ClinVar (database versions not stated): gnomAD exomes below 0.00001.

Submission:

GeneDx
Classification: Likely benign. Last evaluated: 2013-01-11. Review status: criteria provided, single submitter. Criteria: GeneDx Variant Classification (06012015). Collection method: clinical testing. Allele origin: germline. Affected: yes.
Comment: This variant is considered likely benign or benign based on one or more of the following criteria: it is a conservative change, it occurs at a poorly conserved position in the protein, it is predicted to be benign by multiple in silico algorithms, and/or has population frequency not consistent with disease.